The following is an entry in ClinVar:

NM_176787.5(PIGN):c.2056A>G (p.Ile686Val)

Gene: PIGN (phosphatidylinositol glycan anchor biosynthesis class N; minus strand). Cytogenetic location: 18q21.33.
Variant type: single nucleotide variant.
Coding change: c.2056A>G on transcript NM_176787.5 (MANE Select); coding-DNA position 2056, A replaced by G.
Protein change: p.Ile686Val; replaces isoleucine 686 with valine.
Molecular consequence: missense variant.
Genome position (GRCh38, 1-based): chr18:62,101,096, T>C on the plus strand (A>G on the coding strand, the complement: PIGN is on the minus strand). VCF-style: chr18-62101096-T-C. GRCh37 (hg19) VCF-style: chr18-59768329-T-C.
Other names: c.2056A>G, p.Ile686Val (NM_012327.6); short protein forms I686V.
Identifiers: ClinVar variation 1061617 (VCV001061617.8), dbSNP rs776384729, ClinGen allele CA8982100.

ClinVar aggregate classification (germline): Uncertain significance (1 of 4 stars; one submission).

Conditions:
Multiple congenital anomalies-hypotonia-seizures syndrome 1 (MCAHS1). Also called: GLYCOSYLPHOSPHATIDYLINOSITOL BIOSYNTHESIS DEFECT 3; PIGN-CDG; Congenital disorder of glycosylation due to PIGN deficiency. Identifiers: Orphanet 280633, MedGen C3279775, MONDO:0013563, OMIM 614080.

Allele frequency attached by ClinVar (database versions not stated): gnomAD exomes below 0.00001 and 0.00002; ExAC 0.00001; gnomAD 0.00001; TOPMed 0.00001.
gnomAD v4.1: 3 of 1,606,878 alleles (0.00019%); highest among the groups gnomAD compares: Admixed American, 0.005%; no homozygotes.

Submission:

Labcorp Genetics (formerly Invitae), Labcorp
Classification: Uncertain significance for Multiple congenital anomalies-hypotonia-seizures syndrome 1. Last evaluated: 2022-12-06. Review status: criteria provided, single submitter. Criteria: Invitae Variant Classification Sherloc (09022015). Collection method: clinical testing. Allele origin: germline.
Comment: This sequence change replaces isoleucine, which is neutral and non-polar, with valine, which is neutral and non-polar, at codon 686 of the PIGN protein (p.Ile686Val). This variant is present in population databases (rs776384729, gnomAD 0.009%). This variant has not been reported in the literature in individuals affected with PIGN-related conditions. ClinVar contains an entry for this variant (Variation ID: 1061617). Advanced modeling of protein sequence and biophysical properties (such as structural, functional, and spatial information, amino acid conservation, physicochemical variation, residue mobility, and thermodynamic stability) performed at Invitae indicates that this missense variant is not expected to disrupt PIGN protein function. In summary, the available evidence is currently insufficient to determine the role of this variant in disease. Therefore, it has been classified as a Variant of Uncertain Significance.